The following is an entry in ClinVar:

NM_012335.4(MYO1F):c.991G>A (p.Gly331Ser)

Gene: MYO1F (myosin IF; minus strand). Cytogenetic location: 19p13.2.
Variant type: single nucleotide variant.
Coding change: c.991G>A on transcript NM_012335.4 (MANE Select); coding-DNA position 991, G replaced by A.
Protein change: p.Gly331Ser; replaces glycine 331 with serine.
Molecular consequence: missense variant.
Genome position (GRCh38, 1-based): chr19:8,550,270, C>T on the plus strand (G>A on the coding strand, the complement: MYO1F is on the minus strand). VCF-style: chr19-8550270-C-T. GRCh37 (hg19) VCF-style: chr19-8615154-C-T.
Other names: c.979G>A, p.Gly327Ser (NM_001348355.2); short protein forms G331S, G327S.
Identifiers: ClinVar variation 432339 (VCV000432339.2), dbSNP rs1555725736, ClinGen allele CA403743327.

ClinVar aggregate classification (germline): Uncertain significance (1 of 4 stars; one submission).

Allele frequency attached by ClinVar (database versions not stated): gnomAD exomes below 0.00001.
gnomAD v4.1: 1 of 1,614,202 alleles (0.000062%); no homozygotes.

Submission:

GeneDx
Classification: Uncertain significance. Last evaluated: 2017-06-05. Review status: criteria provided, single submitter. Criteria: GeneDx Variant Classification (06012015). Collection method: clinical testing. Allele origin: germline. Affected: yes.
Comment: The G331S variant in the MYO1F gene has not been reported previously as a pathogenic variant, nor as a benign variant, to our knowledge. The G331S variant is not observed in large population cohorts (Lek et al., 2016; 1000 Genomes Consortium et al., 2015; Exome Variant Server). The G331S variant is a non-conservative amino acid substitution, which is likely to impact secondary protein structure as these residues differ in polarity, charge, size and/or other properties. This substitution occurs at a position where amino acids with similar properties to Glycine are tolerated across species. In silico analysis predicts this variant is probably damaging to the protein structure/function. We interpret G331S as a variant of uncertain significance.